The following is an entry in ClinVar:

NM_016648.4(LARP7):c.1297G>C (p.Ala433Pro)

Gene: LARP7 (La ribonucleoprotein 7, transcriptional regulator; plus strand). Cytogenetic location: 4q25.
Variant type: single nucleotide variant.
Coding change: c.1297G>C on transcript NM_016648.4 (MANE Select); coding-DNA position 1297, G replaced by C.
Protein change: p.Ala433Pro; replaces alanine 433 with proline.
Molecular consequence: missense variant.
Genome position (GRCh38, 1-based): chr4:112,650,463, G>C. VCF-style: chr4-112650463-G-C. GRCh37 (hg19) VCF-style: chr4-113571619-G-C.
Other names: c.1297G>C, p.Ala433Pro (NM_001267039.4, NM_001370978.1, NM_015454.3); c.1336G>C, p.Ala446Pro (NM_001370974.1, NM_001370975.1); c.1333G>C, p.Ala445Pro (NM_001370976.1, NM_001370977.1); c.1294G>C, p.Ala432Pro (NM_001370979.1, NM_001370980.1); c.1060G>C, p.Ala354Pro (NM_001370981.1, NM_001370982.1); short protein forms A433P, A445P, A354P, A432P, A446P.
Identifiers: ClinVar variation 1509491 (VCV001509491.6), dbSNP rs751122588, ClinGen allele CA357929336.

ClinVar aggregate classification (germline): Uncertain significance (1 of 4 stars; one submission).

Allele frequency attached by ClinVar (database versions not stated): gnomAD 0.00010 and 0.00011; TOPMed 0.00012.
gnomAD v4.1: 26 of 1,613,396 alleles (0.0016%); highest among the groups gnomAD compares: Admixed American, 0.042%; no homozygotes.

Submission:

Labcorp Genetics (formerly Invitae), Labcorp
Classification: Uncertain significance. Last evaluated: 2025-04-16. Review status: criteria provided, single submitter. Criteria: Invitae Variant Classification Sherloc (09022015). Collection method: clinical testing. Allele origin: germline.
Comment: This sequence change replaces alanine, which is neutral and non-polar, with proline, which is neutral and non-polar, at codon 433 of the LARP7 protein (p.Ala433Pro). This variant is present in population databases (no rsID available, gnomAD 0.02%). This variant has not been reported in the literature in individuals affected with LARP7-related conditions. ClinVar contains an entry for this variant (Variation ID: 1509491). An algorithm developed to predict the effect of missense changes on protein structure and function (PolyPhen-2) suggests that this variant is likely to be tolerated. In summary, the available evidence is currently insufficient to determine the role of this variant in disease. Therefore, it has been classified as a Variant of Uncertain Significance.